The following is an entry in ClinVar:

ClinVar aggregate classification (germline): Likely benign (1 of 4 stars; one submission).

gnomAD v4.1: 1 of 1,614,164 alleles (0.000062%); highest among the groups gnomAD compares: Non-Finnish European, 0.000085%; no homozygotes.

Submission:

CeGaT Center for Human Genetics Tuebingen
Classification: Likely benign. Last evaluated: 2026-09-01. Review status: criteria provided, single submitter. Criteria: CeGaT Center For Human Genetics Tuebingen Variant Classification Criteria Version 2. Collection method: clinical testing. Allele origin: germline. Affected: yes. Observed: 1 variant allele.
Comment: FMN2: BP4, BP7

NM_020066.5(FMN2):c.2112G>A (p.Val704=)

Gene: FMN2 (formin 2; plus strand). Cytogenetic location: 1q43.
Variant type: single nucleotide variant.
Coding change: c.2112G>A on transcript NM_020066.5 (MANE Select); coding-DNA position 2112, G replaced by A.
Protein change: p.Val704=; no amino-acid change (valine 704 retained).
Molecular consequence: synonymous variant. On other transcripts: intron variant (1).
Genome position (GRCh38, 1-based): chr1:240,206,924, G>A. VCF-style: chr1-240206924-G-A. GRCh37 (hg19) VCF-style: chr1-240370224-G-A.
Other names: c.2124G>A, p.Val708= (NM_001305424.2); c.1986+18662G>A (NM_001348094.2).
Identifiers: ClinVar variation 5041248 (VCV005041248.1).
Genomic context (GRCh38, chr1:240,206,924, plus strand): 5'-GGATCTGAGAACCAAAATAGCTGAACTAGAGAGGCAGTATCCTGCCCTGGACACAGAGGT[G>A]GCCAGTGGTCATCAAGGGCTTGAGAATGGAGTGACAGCCTCAGGCGATGTCTGTCTCGAA-3'
Protein context (NP_064450.3, residues 694-714): ERQYPALDTE[Val704=]ASGHQGLENG